The following is an entry in ClinVar:

ClinVar aggregate classification (germline): Likely benign. Review status: criteria provided, multiple submitters, no conflicts (2 of 4 stars). 3 submissions from 3 submitters: Likely benign (3). Last evaluated 2025-10-13.

Allele frequency attached by ClinVar (database versions not stated): gnomAD 0.00001; ESP Exome Variant Server 0.00008.
gnomAD v4.1: 36 of 1,613,590 alleles (0.0022%); highest among the groups gnomAD compares: Middle Eastern, 0.049%; no homozygotes.

Submissions (3):

Labcorp Genetics (formerly Invitae), Labcorp
Classification: Likely benign. Last evaluated: 2025-10-13. Review status: criteria provided, single submitter. Criteria: Invitae Variant Classification Sherloc (09022015). Collection method: clinical testing. Allele origin: germline.

CeGaT Center for Human Genetics Tuebingen
Classification: Likely benign. Last evaluated: 2024-09-01. Review status: criteria provided, single submitter. Criteria: CeGaT Center For Human Genetics Tuebingen Variant Classification Criteria Version 2. Collection method: clinical testing. Allele origin: germline. Affected: yes. Observed: 1 variant allele.
Comment: SEMA3A: BP4, BP7

Blueprint Genetics
Classification: Likely benign. Last evaluated: 2024-08-07. Review status: criteria provided, single submitter. Criteria: ACMG Guidelines, 2015. Collection method: clinical testing. Allele origin: germline.

NM_006080.3(SEMA3A):c.1797G>A (p.Pro599=)

Gene: SEMA3A (semaphorin 3A; minus strand). Cytogenetic location: 7q21.11.
Variant type: single nucleotide variant.
Coding change: c.1797G>A on transcript NM_006080.3 (MANE Select); coding-DNA position 1797, G replaced by A.
Protein change: p.Pro599=; no amino-acid change (proline 599 retained).
Molecular consequence: synonymous variant.
Genome position (GRCh38, 1-based): chr7:83,963,268, C>T on the plus strand (G>A on the coding strand, the complement: SEMA3A is on the minus strand). VCF-style: chr7-83963268-C-T. GRCh37 (hg19) VCF-style: chr7-83592584-C-T.
Identifiers: ClinVar variation 2143231 (VCV002143231.21), dbSNP rs367617715, ClinGen allele CA4322616.